The following is an entry in ClinVar:

NM_001958.5(EEF1A2):c.477G>A (p.Glu159=)

Genes: EEF1A2 (eukaryotic translation elongation factor 1 alpha 2; minus strand), LOC132090595 (Neanderthal introgressed variant-containing enhancer experimental_60987; plus strand). Cytogenetic location: 20q13.33.
Variant type: single nucleotide variant.
Coding change: c.477G>A on transcript NM_001958.5 (MANE Select); coding-DNA position 477, G replaced by A.
Protein change: p.Glu159=; no amino-acid change (glutamic acid 159 retained).
Molecular consequence: synonymous variant.
Genome position (GRCh38, 1-based): chr20:63,494,949, C>T on the plus strand (G>A on the coding strand, the complement: EEF1A2 is on the minus strand). VCF-style: chr20-63494949-C-T. GRCh37 (hg19) VCF-style: chr20-62126302-C-T.
Identifiers: ClinVar variation 389704 (VCV000389704.50), dbSNP rs768282017, ClinGen allele CA9959096.
Genomic context (GRCh38, chr20:63,494,949, plus strand): 5'-CTTGATGTAGGCGCTGACTTCCTTGACGATCTCGTCGTAGCGCTTCTCGCTGTAGGCCGG[C>T]TCTGTGGAGTCCATTTTGTTCACGCCCACGATGAGCTGCTTCACACCCAGCGTGTAGGCC-3'
Protein context (NP_001949.1, residues 149-169): IVGVNKMDST[Glu159=]PAYSEKRYDE

ClinVar aggregate classification (germline): Likely benign. Review status: criteria provided, multiple submitters, no conflicts (2 of 4 stars). 5 submissions from 5 submitters: Likely benign (5). Last evaluated 2026-06-01.

Conditions:
Inborn genetic diseases. Identifiers: MedGen C0950123, MeSH D030342.
Developmental and epileptic encephalopathy, 33 (DEE33). Also called: Epileptic encephalopathy, early infantile, 33. Identifiers: Orphanet 442835, MedGen C4225337, MONDO:0014625, OMIM 616409.

Allele frequency attached by ClinVar (database versions not stated): ExAC 0.00001; gnomAD 0.00002; TOPMed 0.00003; gnomAD exomes 0.00005.
gnomAD v4.1: 79 of 1,612,694 alleles (0.0049%); highest among the groups gnomAD compares: Admixed American, 0.022%; no homozygotes.

Submissions (5):

CeGaT Center for Human Genetics Tuebingen
Classification: Likely benign. Last evaluated: 2026-06-01. Review status: criteria provided, single submitter. Criteria: CeGaT Center For Human Genetics Tuebingen Variant Classification Criteria Version 2. Collection method: clinical testing. Allele origin: germline. Affected: yes. Observed: 6 variant alleles.
Comment: EEF1A2: BP4, BP7

Labcorp Genetics (formerly Invitae), Labcorp
Classification: Likely benign for Developmental and epileptic encephalopathy, 33. Last evaluated: 2025-11-17. Review status: criteria provided, single submitter. Criteria: Invitae Variant Classification Sherloc (09022015). Collection method: clinical testing. Allele origin: germline.

Blueprint Genetics
Classification: Likely benign. Last evaluated: 2024-11-04. Review status: criteria provided, single submitter. Criteria: ACMG Guidelines, 2015. Collection method: clinical testing. Allele origin: germline.

GeneDx
Classification: Likely benign. Last evaluated: 2019-09-18. Review status: criteria provided, single submitter. Criteria: GeneDx Variant Classification Process June 2021. Collection method: clinical testing. Allele origin: germline. Affected: yes.

Ambry Genetics
Classification: Likely benign for Inborn genetic diseases. Last evaluated: 2016-07-07. Review status: criteria provided, single submitter. Criteria: Ambry Variant Classification Scheme 2023. Collection method: clinical testing. Allele origin: germline.